The following is an entry in ClinVar:

NM_005149.3(TBX19):c.*1155C>G

Gene: TBX19 (T-box transcription factor 19; plus strand). Cytogenetic location: 1q24.2.
Variant type: single nucleotide variant.
Coding change: c.*1155C>G on transcript NM_005149.3 (MANE Select); 1155 bases downstream of the stop codon, C replaced by G.
Molecular consequence: 3 prime UTR variant.
Genome position (GRCh38, 1-based): chr1:168,314,157, C>G. VCF-style: chr1-168314157-C-G. GRCh37 (hg19) VCF-style: chr1-168283395-C-G.
Identifiers: ClinVar variation 293499 (VCV000293499.5), dbSNP rs77202012, ClinGen allele CA10608244.
Genomic context (GRCh38, chr1:168,314,157, plus strand): 5'-TGTGCCTTAGTGTCCTCTTTTTTCCAGTTCACCTGTGCGAATCCGACCCACCTCCCAGAG[C>G]CTGGCTGAAACGTCACTCCCTGCATCCAACATCTGATCTGCTGAGATATGTCTGATCTAT-3'

ClinVar aggregate classification (germline): Benign (1 of 4 stars; one submission).

Conditions:
Congenital isolated adrenocorticotropic hormone deficiency. Also called: ACTH DEFICIENCY, ISOLATED; ACTH deficiency; Adrenocorticotropic hormone deficiency. Identifiers: Orphanet 199296, MedGen C0342388, MONDO:0008720, OMIM 201400, HP:0011748.

Allele frequency attached by ClinVar (database versions not stated): 1000 Genomes Project 0.01937; 1000 Genomes Project 30x 0.02014; gnomAD 0.02034 and 0.02199; TOPMed 0.02300.

Submission:

Illumina Laboratory Services, Illumina
Classification: Benign for Congenital isolated adrenocorticotropic hormone deficiency. Last evaluated: 2018-01-12. Review status: criteria provided, single submitter. Criteria: ICSL Variant Classification Criteria 13 December 2019. Collection method: clinical testing. Allele origin: germline.
Comment: This variant was observed in the ICSL laboratory as part of a predisposition screen in an ostensibly healthy population. It had not been previously curated by ICSL or reported in the Human Gene Mutation Database (HGMD: prior to June 1st, 2018), and was therefore a candidate for classification through an automated scoring system. Utilizing variant allele frequency, disease prevalence and penetrance estimates, and inheritance mode, an automated score was calculated to assess if this variant is too frequent to cause the disease. Based on the score and internal cut-off values, a variant classified as benign is not then subjected to further curation. The score for this variant resulted in a classification of benign for this disease.